The following is an entry in ClinVar:

ClinVar aggregate classification (germline): Uncertain significance. Review status: criteria provided, multiple submitters, no conflicts (2 of 4 stars). 2 submissions from 2 submitters: Uncertain significance (2). Last evaluated 2022-02-07.

Conditions:
Inborn genetic diseases. Identifiers: MedGen C0950123, MeSH D030342.
Megalencephaly-polymicrogyria-postaxial polydactyly-hydrocephalus syndrome. Also called: MPPH Syndrome; MEG-PMG-MEGACC SYNDROME. Identifiers: Orphanet 83473, MedGen C1863924, MONDO:0019375.

gnomAD v4.1: 1 of 1,260,448 alleles (0.000079%); highest among the groups gnomAD compares: East Asian, 0.0034%; no homozygotes.

Submissions (2):

Ambry Genetics
Classification: Uncertain significance for Inborn genetic diseases. Last evaluated: 2022-02-07. Review status: criteria provided, single submitter. Criteria: Ambry Variant Classification Scheme 2023. Collection method: clinical testing. Allele origin: germline.

Labcorp Genetics (formerly Invitae), Labcorp
Classification: Uncertain significance for Megalencephaly-polymicrogyria-postaxial polydactyly-hydrocephalus syndrome. Last evaluated: 2020-11-14. Review status: criteria provided, single submitter. Criteria: Invitae Variant Classification Sherloc (09022015). Collection method: clinical testing. Allele origin: germline.
Comment: This sequence change replaces valine with glycine at codon 232 of the PIK3R2 protein (p.Val232Gly). The valine residue is moderately conserved and there is a moderate physicochemical difference between valine and glycine. The frequency data for this variant in the population databases is considered unreliable, as metrics indicate insufficient coverage at this position in the ExAC database. This variant has not been reported in the literature in individuals with PIK3R2-related conditions. Advanced modeling of protein sequence and biophysical properties (such as structural, functional, and spatial information, amino acid conservation, physicochemical variation, residue mobility, and thermodynamic stability) performed at Invitae indicates that this missense variant is expected to disrupt PIK3R2 protein function. In summary, the available evidence is currently insufficient to determine the role of this variant in disease. Therefore, it has been classified as a Variant of Uncertain Significance.

NM_005027.4(PIK3R2):c.695T>G (p.Val232Gly)

Genes: PIK3R2 (phosphoinositide-3-kinase regulatory subunit 2; plus strand), LOC130063979 (ATAC-STARR-seq lymphoblastoid silent region 10375; plus strand). Cytogenetic location: 19p13.11.
Variant type: single nucleotide variant.
Coding change: c.695T>G on transcript NM_005027.4 (MANE Select); coding-DNA position 695, T replaced by G.
Protein change: p.Val232Gly; replaces valine 232 with glycine.
Molecular consequence: missense variant. On other transcripts: non-coding transcript variant (1).
Genome position (GRCh38, 1-based): chr19:18,161,375, T>G. VCF-style: chr19-18161375-T-G. GRCh37 (hg19) VCF-style: chr19-18272185-T-G.
Other names: c.695T>G (NM_005027.2); short protein forms V232G.
Identifiers: ClinVar variation 1347474 (VCV001347474.9), dbSNP rs2147950675, ClinGen allele CA404805935.